The following is an entry in ClinVar:

NM_030662.4(MAP2K2):c.857G>A (p.Gly286Glu)

Gene: MAP2K2 (mitogen-activated protein kinase kinase 2; minus strand). Cytogenetic location: 19p13.3.
Variant type: single nucleotide variant.
Coding change: c.857G>A on transcript NM_030662.4 (MANE Select); coding-DNA position 857, G replaced by A.
Protein change: p.Gly286Glu; replaces glycine 286 with glutamic acid.
Molecular consequence: missense variant.
Genome position (GRCh38, 1-based): chr19:4,099,263, C>T on the plus strand (G>A on the coding strand, the complement: MAP2K2 is on the minus strand). VCF-style: chr19-4099263-C-T. GRCh37 (hg19) VCF-style: chr19-4099261-C-T.
Other names: short protein forms G286E.
Identifiers: ClinVar variation 3292971 (VCV003292971.3).

ClinVar aggregate classification (germline): Uncertain significance. Review status: criteria provided, multiple submitters, no conflicts (2 of 4 stars). 2 submissions from 2 submitters: Uncertain significance (2). Last evaluated 2024-08-12.

Conditions:
RASopathy. Also called: rasopathies; Noonan spectrum disorder. Identifiers: Orphanet 536391, MedGen C5555857, MONDO:0021060.
Cardiovascular phenotype. Identifiers: MedGen CN230736.

Submissions (2):

Labcorp Genetics (formerly Invitae), Labcorp
Classification: Uncertain significance for RASopathy. Last evaluated: 2024-08-12. Review status: criteria provided, single submitter. Criteria: Invitae Variant Classification Sherloc (09022015). Collection method: clinical testing. Allele origin: germline.
Comment: This sequence change replaces glycine, which is neutral and non-polar, with glutamic acid, which is acidic and polar, at codon 286 of the MAP2K2 protein (p.Gly286Glu). This variant is not present in population databases (gnomAD no frequency). This variant has not been reported in the literature in individuals affected with MAP2K2-related conditions. Advanced modeling of protein sequence and biophysical properties (such as structural, functional, and spatial information, amino acid conservation, physicochemical variation, residue mobility, and thermodynamic stability) performed at Invitae indicates that this missense variant is not expected to disrupt MAP2K2 protein function with a negative predictive value of 95%. In summary, the available evidence is currently insufficient to determine the role of this variant in disease. Therefore, it has been classified as a Variant of Uncertain Significance.

Ambry Genetics
Classification: Uncertain significance for Cardiovascular phenotype. Last evaluated: 2024-05-11. Review status: criteria provided, single submitter. Criteria: Ambry Variant Classification Scheme 2023. Collection method: clinical testing. Allele origin: germline.
Comment: The p.G286E variant (also known as c.857G>A), located in coding exon 7 of the MAP2K2 gene, results from a G to A substitution at nucleotide position 857. The glycine at codon 286 is replaced by glutamic acid, an amino acid with similar properties. This amino acid position is conserved. In addition, the in silico prediction for this alteration is inconclusive. Based on the available evidence, the clinical significance of this variant remains unclear.